The following is an entry in ClinVar:

NM_001276345.2(TNNT2):c.476A>T (p.Gln159Leu)

Gene: TNNT2 (troponin T2, cardiac type; minus strand). Cytogenetic location: 1q32.1.
Variant type: single nucleotide variant.
Coding change: c.476A>T on transcript NM_001276345.2 (MANE Select); coding-DNA position 476, A replaced by T.
Protein change: p.Gln159Leu; replaces glutamine 159 with leucine.
Molecular consequence: missense variant.
Genome position (GRCh38, 1-based): chr1:201,364,311, T>A on the plus strand (A>T on the coding strand, the complement: TNNT2 is on the minus strand). VCF-style: chr1-201364311-T-A. GRCh37 (hg19) VCF-style: chr1-201333439-T-A.
Other names: c.476A>T, p.Gln159Leu (NM_000364.4); c.446A>T, p.Gln149Leu (NM_001001430.3, NM_001001431.3, NM_001276347.2); c.431A>T, p.Gln144Leu (NM_001001432.3); c.356A>T, p.Gln119Leu (NM_001276346.2); short protein forms Q144L, Q149L, Q159L, Q119L.
Identifiers: ClinVar variation 838208 (VCV000838208.9), dbSNP rs1659255484, ClinGen allele CA344205610.

ClinVar aggregate classification (germline): Uncertain significance (1 of 4 stars; one submission).

Conditions:
Dilated cardiomyopathy 1D. Identifiers: Orphanet 154, Orphanet 54260, MedGen C1832243, MONDO:0011095, OMIM 601494.
Cardiomyopathy, familial restrictive, 3. Identifiers: Orphanet 75249, MedGen C2676271, MONDO:0012900, OMIM 612422.
Hypertrophic cardiomyopathy 2. Also called: TNNT2-Related Familial Hypertrophic Cardiomyopathy. Identifiers: MedGen C1861864, MONDO:0007266, OMIM 115195.

Submission:

Labcorp Genetics (formerly Invitae), Labcorp
Classification: Uncertain significance for Cardiomyopathy, familial restrictive, 3; Hypertrophic cardiomyopathy 2; Dilated cardiomyopathy 1D. Last evaluated: 2023-03-19. Review status: criteria provided, single submitter. Criteria: Invitae Variant Classification Sherloc (09022015). Collection method: clinical testing. Allele origin: germline.
Comment: This sequence change replaces glutamine, which is neutral and polar, with leucine, which is neutral and non-polar, at codon 149 of the TNNT2 protein (p.Gln149Leu). This variant is not present in population databases (gnomAD no frequency). This variant has not been reported in the literature in individuals affected with TNNT2-related conditions. ClinVar contains an entry for this variant (Variation ID: 838208). Advanced modeling of protein sequence and biophysical properties (such as structural, functional, and spatial information, amino acid conservation, physicochemical variation, residue mobility, and thermodynamic stability) performed at Invitae indicates that this missense variant is expected to disrupt TNNT2 protein function. In summary, the available evidence is currently insufficient to determine the role of this variant in disease. Therefore, it has been classified as a Variant of Uncertain Significance.